The following is an entry in ClinVar:

ClinVar aggregate classification (germline): Likely benign. Review status: criteria provided, multiple submitters, no conflicts (2 of 4 stars). 5 submissions from 5 submitters: Likely benign (5). Last evaluated 2026-01-01.

Conditions:
Cardiovascular phenotype. Identifiers: MedGen CN230736.

Allele frequency attached by ClinVar (database versions not stated): TOPMed 0.00007; ExAC 0.00010; 1000 Genomes Project 30x 0.00016; gnomAD exomes 0.00017; gnomAD 0.00019; 1000 Genomes Project 0.00020.
gnomAD v4.1: 198 of 1,614,232 alleles (0.012%); highest among the groups gnomAD compares: Non-Finnish European, 0.0074%; no homozygotes.

Submissions (5):

CeGaT Center for Human Genetics Tuebingen
Classification: Likely benign. Last evaluated: 2026-01-01. Review status: criteria provided, single submitter. Criteria: CeGaT Center For Human Genetics Tuebingen Variant Classification Criteria Version 2. Collection method: clinical testing. Allele origin: germline. Affected: yes. Observed: 3 variant alleles.
Comment: ABCA1: BP4

Labcorp Genetics (formerly Invitae), Labcorp
Classification: Likely benign. Last evaluated: 2025-10-01. Review status: criteria provided, single submitter. Criteria: Invitae Variant Classification Sherloc (09022015). Collection method: clinical testing. Allele origin: germline.

Laboratory of Genetics, Children's Clinical University Hospital Latvia
Classification: Likely benign. Last evaluated: 2025-02-16. Review status: criteria provided, single submitter. Criteria: ACMG Guidelines, 2015. Collection method: clinical testing. Allele origin: germline. Affected: yes.

Blueprint Genetics
Classification: Likely benign. Last evaluated: 2024-06-07. Review status: criteria provided, single submitter. Criteria: ACMG Guidelines, 2015. Collection method: clinical testing. Allele origin: germline.

Ambry Genetics
Classification: Likely benign for Cardiovascular phenotype. Last evaluated: 2021-06-06. Review status: criteria provided, single submitter. Criteria: Ambry Variant Classification Scheme 2023. Collection method: clinical testing. Allele origin: germline.

NM_005502.4(ABCA1):c.3999G>A (p.Leu1333=)

Gene: ABCA1 (ATP binding cassette subfamily A member 1; minus strand). Cytogenetic location: 9q31.1.
Variant type: single nucleotide variant.
Coding change: c.3999G>A on transcript NM_005502.4 (MANE Select); coding-DNA position 3999, G replaced by A.
Protein change: p.Leu1333=; no amino-acid change (leucine 1333 retained).
Molecular consequence: synonymous variant.
Genome position (GRCh38, 1-based): chr9:104,812,625, C>T on the plus strand (G>A on the coding strand, the complement: ABCA1 is on the minus strand). VCF-style: chr9-104812625-C-T. GRCh37 (hg19) VCF-style: chr9-107574906-C-T.
Identifiers: ClinVar variation 1580455 (VCV001580455.36), dbSNP rs183043192, ClinGen allele CA5168274.